The following is an entry in ClinVar:

ClinVar aggregate classification (germline): Uncertain significance (1 of 4 stars; one submission).

gnomAD v4.1: 2 of 1,614,066 alleles (0.00012%); highest among the groups gnomAD compares: Non-Finnish European, 0.00017%; no homozygotes.

Submission:

Dasa
Classification: Uncertain significance. Last evaluated: 2026-02-24. Review status: criteria provided, single submitter. Criteria: DASA Assertion Criteria. Collection method: clinical testing. Allele origin: germline.
Comment: NM_014159.7(SETD2):c.3136A>C (p.Asn1046His) is a missense variant that results in the substitution of asparagine with histidine. This variant is rare in population databases. Computational prediction algorithms are consistent with a benign effect. The currently available literature and clinical evidence are not sufficient to establish a definitive association between this variant and the reported condition. Therefore, this variant is classified as a variant of uncertain significance.

NM_014159.7(SETD2):c.3136A>C (p.Asn1046His)

Gene: SETD2 (SET domain containing 2, histone lysine methyltransferase; minus strand). Cytogenetic location: 3p21.31.
Variant type: single nucleotide variant.
Coding change: c.3136A>C on transcript NM_014159.7 (MANE Select); coding-DNA position 3136, A replaced by C.
Protein change: p.Asn1046His; replaces asparagine 1046 with histidine.
Molecular consequence: missense variant. On other transcripts: non-coding transcript variant (1).
Genome position (GRCh38, 1-based): chr3:47,121,500, T>G on the plus strand (A>C on the coding strand, the complement: SETD2 is on the minus strand). VCF-style: chr3-47121500-T-G. GRCh37 (hg19) VCF-style: chr3-47162990-T-G.
Other names: c.3004A>C, p.Asn1002His (NM_001349370.3); short protein forms N1002H, N1046H.
Identifiers: ClinVar variation 5020696 (VCV005020696.1).